The following is an entry in ClinVar:

ClinVar aggregate classification (germline): Uncertain significance. Review status: criteria provided, multiple submitters, no conflicts (2 of 4 stars). 2 submissions from 2 submitters: Uncertain significance (2). Last evaluated 2024-11-04.

Conditions:
Benign neonatal seizures. Also called: Convulsions benign familial neonatal dominant form; Autosomal dominant form of benign neonatal seizures; Benign neonatal familial convulsions; Benign familial neonatal seizures; Benign familial neonatal epilepsy. Identifiers: Orphanet 1949, MedGen C0220669, MONDO:0016027.

Allele frequency attached by ClinVar (database versions not stated): gnomAD exomes below 0.00001; ExAC 0.00001; gnomAD 0.00001.
gnomAD v4.1: 3 of 1,614,036 alleles (0.00019%); highest among the groups gnomAD compares: Non-Finnish European, 0.00025%; no homozygotes.

Submissions (2):

Labcorp Genetics (formerly Invitae), Labcorp
Classification: Uncertain significance for Benign neonatal seizures. Last evaluated: 2024-11-04. Review status: criteria provided, single submitter. Criteria: Invitae Variant Classification Sherloc (09022015). Collection method: clinical testing. Allele origin: germline.
Comment: This sequence change creates a premature translational stop signal (p.Arg757*) in the KCNQ3 gene. While this is not anticipated to result in nonsense mediated decay, it is expected to disrupt the last 116 amino acid(s) of the KCNQ3 protein. This variant is present in population databases (rs779444430, gnomAD 0.0009%). This variant has not been reported in the literature in individuals affected with KCNQ3-related conditions. ClinVar contains an entry for this variant (Variation ID: 1057593). Experimental studies and prediction algorithms are not available or were not evaluated, and the functional significance of this variant is currently unknown. In summary, the available evidence is currently insufficient to determine the role of this variant in disease. Therefore, it has been classified as a Variant of Uncertain Significance.

GeneDx
Classification: Uncertain significance. Last evaluated: 2022-09-25. Review status: criteria provided, single submitter. Criteria: GeneDx Variant Classification Process June 2021. Collection method: clinical testing. Allele origin: germline. Affected: yes.
Comment: Nonsense variant predicted to result in protein truncation as the last 116 amino acids are lost, although loss-of-function variants have not been reported downstream of this position in the protein; Not observed at significant frequency in large population cohorts (gnomAD); Has not been previously published as pathogenic or benign to our knowledge

NM_004519.4(KCNQ3):c.2269C>T (p.Arg757Ter)

Gene: KCNQ3 (potassium voltage-gated channel subfamily Q member 3; minus strand). Cytogenetic location: 8q24.22.
Variant type: single nucleotide variant.
Coding change: c.2269C>T on transcript NM_004519.4 (MANE Select); coding-DNA position 2269, C replaced by T.
Protein change: p.Arg757Ter; replaces arginine 757 with a stop codon.
Molecular consequence: nonsense.
Genome position (GRCh38, 1-based): chr8:132,129,612, G>A on the plus strand (C>T on the coding strand, the complement: KCNQ3 is on the minus strand). VCF-style: chr8-132129612-G-A. GRCh37 (hg19) VCF-style: chr8-133141859-G-A.
Other names: c.1909C>T, p.Arg637Ter (NM_001204824.2); c.2269C>T (NM_004519.3); short protein forms R637*, R757*.
Identifiers: ClinVar variation 1057593 (VCV001057593.9), dbSNP rs779444430, ClinGen allele CA4880481.